The following is an entry in ClinVar:

NM_173500.4(TTBK2):c.1290T>G (p.Ile430Met)

Gene: TTBK2 (tau tubulin kinase 2; minus strand). Cytogenetic location: 15q15.2.
Variant type: single nucleotide variant.
Coding change: c.1290T>G on transcript NM_173500.4 (MANE Select); coding-DNA position 1290, T replaced by G.
Protein change: p.Ile430Met; replaces isoleucine 430 with methionine.
Molecular consequence: missense variant.
Genome position (GRCh38, 1-based): chr15:42,777,150, A>C on the plus strand (T>G on the coding strand, the complement: TTBK2 is on the minus strand). VCF-style: chr15-42777150-A-C. GRCh37 (hg19) VCF-style: chr15-43069348-A-C.
Other names: short protein forms I430M.
Identifiers: ClinVar variation 2868848 (VCV002868848.3), dbSNP rs2506564591, ClinGen allele CA392015578.
Genomic context (GRCh38, chr15:42,777,150, plus strand): 5'-CTCAAAGCTGTGAATGGAACGTAACTTTCGCACCAGTGGAATATCTCTGTCTGGCTGAGT[A>C]ATCTCTGAGCGGACACGAATTGGTGACCCAAGGCTTGGAGCATTGAGAAGACCATTTGCC-3'
Protein context (NP_775771.3, residues 420-440): LGSPIRVRSE[Ile430Met]TQPDRDIPLV

ClinVar aggregate classification (germline): Uncertain significance (1 of 4 stars; one submission).

Submission:

Labcorp Genetics (formerly Invitae), Labcorp
Classification: Uncertain significance. Last evaluated: 2023-11-09. Review status: criteria provided, single submitter. Criteria: Invitae Variant Classification Sherloc (09022015). Collection method: clinical testing. Allele origin: germline.
Comment: This sequence change replaces isoleucine, which is neutral and non-polar, with methionine, which is neutral and non-polar, at codon 430 of the TTBK2 protein (p.Ile430Met). This variant is not present in population databases (gnomAD no frequency). This variant has not been reported in the literature in individuals affected with TTBK2-related conditions. An algorithm developed to predict the effect of missense changes on protein structure and function (PolyPhen-2) suggests that this variant is likely to be disruptive. In summary, the available evidence is currently insufficient to determine the role of this variant in disease. Therefore, it has been classified as a Variant of Uncertain Significance.